The following is an entry in ClinVar:

NM_000218.3(KCNQ1):c.590C>T (p.Pro197Leu)

Gene: KCNQ1 (potassium voltage-gated channel subfamily Q member 1; plus strand). Cytogenetic location: 11p15.5.
Variant type: single nucleotide variant.
Coding change: c.590C>T on transcript NM_000218.3 (MANE Select); coding-DNA position 590, C replaced by T.
Protein change: p.Pro197Leu; replaces proline 197 with leucine.
Molecular consequence: missense variant.
Genome position (GRCh38, 1-based): chr11:2,570,740, C>T. VCF-style: chr11-2570740-C-T. GRCh37 (hg19) VCF-style: chr11-2591970-C-T.
Other names: p.P197L:CCC>CTC; NM_000218.3(KCNQ1):c.590C>T; c.590C>T, p.Pro197Leu (NM_001406836.1); c.320C>T, p.Pro107Leu (NM_001406837.1); c.209C>T, p.Pro70Leu (NM_181798.2); short protein forms P197L, P70L, P107L.
Identifiers: ClinVar variation 191476 (VCV000191476.70), dbSNP rs200108320, ClinGen allele CA007671.

ClinVar aggregate classification (germline): Uncertain significance. Review status: reviewed by expert panel (3 of 4 stars). 15 submissions from 15 submitters: Uncertain significance (1). 14 of the submissions do not count toward it. Last evaluated 2025-07-01.

Conditions:
Cardiovascular phenotype. Identifiers: MedGen CN230736.
Cardiac arrhythmia. Also called: Cardiac rhythm disease; Arrhythmia. Identifiers: MedGen C0003811, MONDO:0007263, HP:0011675.
Long QT syndrome 1 (LQT1). Identifiers: Orphanet 101016, Orphanet 768, MedGen C4551647, MONDO:0100316, OMIM 192500, MONDO:0008646.
Atrial fibrillation, familial, 3 (ATFB3). Identifiers: MedGen C1837014, MONDO:0011857, OMIM 607554.
Beckwith-Wiedemann syndrome (BWS). Also called: Exomphalos macroglossia gigantism syndrome; EMG SYNDROME. Identifiers: Orphanet 116, MedGen C0004903, MONDO:0007534, OMIM 130650.
Short QT syndrome type 2. Identifiers: Orphanet 51083, MedGen C1865019, MONDO:0012313, OMIM 609621.
Jervell and Lange-Nielsen syndrome 1 (JLNS1). Also called: CARDIOAUDITORY SYNDROME OF JERVELL AND LANGE-NIELSEN; DEAFNESS, CONGENITAL, AND FUNCTIONAL HEART DISEASE; PROLONGED QT INTERVAL IN EKG AND SUDDEN DEATH; SURDO-CARDIAC SYNDROME. Identifiers: Orphanet 768, Orphanet 90647, MedGen C4551509, MONDO:0024540, OMIM 220400.
Long QT syndrome (LQTS). Identifiers: MedGen C0023976, MeSH D008133, MONDO:0002442. Disease mechanism: loss of function. Inheritance: Various modes of inheritance.

Allele frequency attached by ClinVar (database versions not stated): gnomAD 0.00002; gnomAD exomes 0.00004 and 0.00005; TOPMed 0.00004; ExAC 0.00007.
gnomAD v4.1: 54 of 1,611,314 alleles (0.0034%); highest among the groups gnomAD compares: Non-Finnish European, 0.0046%; no homozygotes.

Submissions 1 to 9 of 15:

ClinGen Potassium Channel Arrhythmia Variant Curation Expert Panel, ClinGen
Classification: Uncertain significance for Long QT syndrome 1. Last evaluated: 2025-07-01. Review status: reviewed by expert panel. Criteria: ClinGen KChannel ACMG Specifications KCNQ1 V1.0.0 2. Collection method: curation. Allele origin: germline. Inheritance: Autosomal dominant inheritance.
Comment: NM_000218.3(KCNQ1):c.590C>T is a missense variant predicted to cause replacement of proline with leucine at position 197. This residue is conserved across the 5 human KCNQ paralogues and another missense variant in the same codon, NM_000218.3(KCNQ1):c.589C>T (p.Pro197Ser), has been investigated in connection with long QT syndrome 1 (PMID: 29532034) but has been classified as a variant of uncertain significance for long QT syndrome 1 by the ClinGen Potassium Channel Arrhythmia VCEP, so PM5 is not yet met. This variant is present in gnomAD v.4.1.0 at a maximum allele frequency of 0.00004576, with 54 / 1179994 in the European non-FInnish population, which is higher than the ClinGen Potassium Channel Arrhythmia VCEP PM2_Supporting threshold of <0.00001, but lower than the BS1 threshold of >0.0004, so neither criterion is met. This variant has been reported in the cardiovascular disorder literature, however, the available clinical details are not sufficient for inclusion in PS4, so the PS4_Supporting code is not yet met. The computational predictor REVEL gives a score of 0.965, which is above the ClinGen Potassium Channel Arrhythmia VCEP PP3 threshold of >0.75 and predicts a damaging effect on KCNQ1 function (PP3). The variant demonstrates 60-70% of wild-type cell surface trafficking by flow cytometry (PMID: 29532034), but 140-150% of wild-type peak current density (PMID: 29532034, PMID: 30571187), which is not compatible with a proposed role as a disease-causing variant for long QT syndrome 1, so the PS3 code is not met. In summary, this variant meets the criteria to be classified as a variant of uncertain significance for long QT syndrome 1 based on the ACMG/AMP criteria applied, as specified by the ClinGen Potassium Channel Arrhythmia VCEP: PP3. (VCEP specifications version 1.0.0; date of approval 03/04/2025).

CeGaT Center for Human Genetics Tuebingen
Classification: Uncertain significance. Last evaluated: 2026-05-01. Review status: criteria provided, single submitter. Criteria: CeGaT Center For Human Genetics Tuebingen Variant Classification Criteria Version 2. Collection method: clinical testing. Allele origin: germline. Affected: yes. Observed: 3 variant alleles. Not counted in ClinVar's aggregate classification.
Comment: KCNQ1: PP3

Molecular Diagnostic Laboratory for Inherited Cardiovascular Disease, Montreal Heart Institute
Classification: Uncertain significance for Cardiovascular phenotype. Last evaluated: 2025-04-09. Review status: criteria provided, single submitter. Criteria: ACMG Guidelines, 2015. Collection method: clinical testing. Allele origin: germline. Affected: yes. Not counted in ClinVar's aggregate classification.

Color Diagnostics, LLC DBA Color Health
Classification: Uncertain significance for Cardiac arrhythmia. Last evaluated: 2025-02-03. Review status: criteria provided, single submitter. Criteria: ACMG Guidelines, 2015. Collection method: clinical testing. Allele origin: germline. Not counted in ClinVar's aggregate classification.
Comment: This missense variant replaces proline with leucine at codon 197 of the KCNQ1 protein. Computational prediction suggests that this variant may have deleterious impact on protein structure and function. Functional studies have shown that this variant does not cause trafficking defects or reduction in channel current (PMID: 29532034, 30571187, 36339618). This variant has not been reported in individuals affected with cardiovascular disorders in the literature. This variant has been identified in 13/249032 chromosomes in the general population by the Genome Aggregation Database (gnomAD). The available evidence is insufficient to determine the role of this variant in disease conclusively. Therefore, this variant is classified as a Variant of Uncertain Significance.

All of Us Research Program, National Institutes of Health
Classification: Uncertain significance for Long QT syndrome. Last evaluated: 2024-07-29. Review status: criteria provided, single submitter. Criteria: ACMG Guidelines, 2015. Collection method: clinical testing. Allele origin: germline. Inheritance: Autosomal dominant inheritance. Observed: 18 variant alleles, 18 heterozygotes. Not counted in ClinVar's aggregate classification.
Comment: This missense variant replaces proline with leucine at codon 197 of the KCNQ1 protein. Computational prediction suggests that this variant may have deleterious impact on protein structure and function (internally defined REVEL score threshold >= 0.7, PMID: 27666373). Functional studies have shown that the mutant protein exhibits partially reduced cell surface expression but normal or increased potassium channel activity, which is inconsistent with a mutation causing long QT syndrome (PMID: 29532034, 30571187). This variant has not been reported in individuals affected with cardiovascular disorders in the literature. This variant has been identified in 13/249032 chromosomes in the general population by the Genome Aggregation Database (gnomAD). The available evidence is insufficient to determine the role of this variant in disease conclusively. Therefore, this variant is classified as a Variant of Uncertain Significance.

This study involves interpretation of variants in research participants for the purpose of population health screening. Participant phenotype was not available at the time of variant classification. Additional details can be found in publication PMID: 35346344, PMCID: PMC8962531

Blueprint Genetics
Classification: Uncertain significance. Last evaluated: 2024-02-09. Review status: criteria provided, single submitter. Criteria: ACMG Guidelines, 2015. Collection method: clinical testing. Allele origin: germline. Not counted in ClinVar's aggregate classification.

Dept of Medical Biology, Uskudar University
Classification: Uncertain significance for Long QT syndrome. Last evaluated: 2024-01-08. Review status: criteria provided, single submitter. Criteria: Dept of Medical Biology Variant Classification. Collection method: research. Allele origin: unknown. Affected: yes. Observed: 1 variant allele. Not counted in ClinVar's aggregate classification.
Comment: Criteria: PM1, PP3

Labcorp Genetics (formerly Invitae), Labcorp
Classification: Uncertain significance for Long QT syndrome. Last evaluated: 2024-01-06. Review status: criteria provided, single submitter. Criteria: Invitae Variant Classification Sherloc (09022015). Collection method: clinical testing. Allele origin: germline. Not counted in ClinVar's aggregate classification.
Comment: This sequence change replaces proline, which is neutral and non-polar, with leucine, which is neutral and non-polar, at codon 197 of the KCNQ1 protein (p.Pro197Leu). This variant is present in population databases (rs200108320, gnomAD 0.01%). This variant has not been reported in the literature in individuals affected with KCNQ1-related conditions. ClinVar contains an entry for this variant (Variation ID: 191476). Advanced modeling of protein sequence and biophysical properties (such as structural, functional, and spatial information, amino acid conservation, physicochemical variation, residue mobility, and thermodynamic stability) performed at Invitae indicates that this missense variant is expected to disrupt KCNQ1 protein function with a positive predictive value of 95%. Experimental studies are conflicting or provide insufficient evidence to determine the effect of this variant on KCNQ1 function (PMID: 29532034, 30571187). In summary, the available evidence is currently insufficient to determine the role of this variant in disease. Therefore, it has been classified as a Variant of Uncertain Significance.

Ambry Genetics
Classification: Uncertain significance for Cardiovascular phenotype. Last evaluated: 2023-11-14. Review status: criteria provided, single submitter. Criteria: Ambry Variant Classification Scheme 2023. Collection method: clinical testing. Allele origin: germline. Not counted in ClinVar's aggregate classification.
Comment: The p.P197L variant (also known as c.590C>T), located in coding exon 3 of the KCNQ1 gene, results from a C to T substitution at nucleotide position 590. The proline at codon 197 is replaced by leucine, an amino acid with similar properties. This amino acid position is highly conserved in available vertebrate species. In addition, this alteration is predicted to be deleterious by in silico analysis. Since supporting evidence is limited at this time, the clinical significance of this alteration remains unclear.